The following is an entry in ClinVar:

NM_000535.7(PMS2):c.1301C>G (p.Pro434Arg)

Gene: PMS2 (PMS1 homolog 2, mismatch repair system component; minus strand). Cytogenetic location: 7p22.1.
Variant type: single nucleotide variant.
Coding change: c.1301C>G on transcript NM_000535.7 (MANE Select); coding-DNA position 1301, C replaced by G.
Protein change: p.Pro434Arg; replaces proline 434 with arginine.
Molecular consequence: missense variant. On other transcripts: non-coding transcript variant (1).
Genome position (GRCh38, 1-based): chr7:5,987,464, G>C on the plus strand (C>G on the coding strand, the complement: PMS2 is on the minus strand). VCF-style: chr7-5987464-G-C. GRCh37 (hg19) VCF-style: chr7-6027095-G-C.
Other names: c.896C>G, p.Pro299Arg (NM_001322003.2, NM_001322004.2, NM_001322005.2 and 1 more transcripts); c.1145C>G, p.Pro382Arg (NM_001322006.2); c.983C>G, p.Pro328Arg (NM_001322007.2, NM_001322008.2); c.740C>G, p.Pro247Arg (NM_001322010.2); c.368C>G, p.Pro123Arg (NM_001322011.2, NM_001322012.2); c.728C>G, p.Pro243Arg (NM_001322013.2); c.1301C>G, p.Pro434Arg (NM_001322014.2); c.992C>G, p.Pro331Arg (NM_001322015.2); short protein forms P123R, P243R, P247R, P299R, P328R, P331R, P382R, P434R.
Identifiers: ClinVar variation 1318489 (VCV001318489.13), dbSNP rs1554297919, ClinGen allele CA366742380.
Genomic context (GRCh38, chr7:5,987,464, plus strand): 5'-AGCATACCCCTTTTCTGTCCTAGAGGGCTCCTTCTTGGTTCTGGAGTCTTTGGGCTGTGA[G>C]GCTTGTTCTCTGTTGTGTGACGAAGAGAAAAGGCCTCTCGCAGTCTGGAAATGGACACGT-3'
Protein context (NP_000526.2, residues 424-444): FSLRHTTENK[Pro434Arg]HSPKTPEPRR

ClinVar aggregate classification (germline): Conflicting classifications of pathogenicity. Review status: criteria provided, conflicting classifications (1 of 4 stars). 4 submissions from 4 submitters: Uncertain significance (3); Likely benign (1). Last evaluated 2025-04-04.

Conditions:
Hereditary nonpolyposis colorectal neoplasms. Identifiers: MedGen C0009405, MeSH D003123.
Hereditary cancer-predisposing syndrome. Also called: Hereditary neoplastic syndrome; Neoplastic Syndromes, Hereditary; Tumor predisposition; Hereditary Cancer Syndrome. Identifiers: Orphanet 140162, MedGen C0027672, MeSH D009386, MONDO:0015356.

Submissions (4):

Ambry Genetics
Classification: Likely benign for Hereditary cancer-predisposing syndrome. Last evaluated: 2025-04-04. Review status: criteria provided, single submitter. Criteria: Ambry Variant Classification Scheme 2023. Collection method: clinical testing. Allele origin: germline.

Color Diagnostics, LLC DBA Color Health
Classification: Uncertain significance for Hereditary cancer-predisposing syndrome. Last evaluated: 2024-06-30. Review status: criteria provided, single submitter. Criteria: ACMG Guidelines, 2015. Collection method: clinical testing. Allele origin: germline.
Comment: This missense variant replaces proline with arginine at codon 434 of the PMS2 protein. Computational prediction suggests that this variant may not impact protein structure and function (internally defined REVEL score threshold <= 0.5, PMID: 27666373). To our knowledge, functional studies have not been reported for this variant. This variant has not been reported in individuals affected with PMS2-related disorders in the literature. This variant has not been identified in the general population by the Genome Aggregation Database (gnomAD). The available evidence is insufficient to determine the role of this variant in disease conclusively. Therefore, this variant is classified as a Variant of Uncertain Significance.

Labcorp Genetics (formerly Invitae), Labcorp
Classification: Uncertain significance for Hereditary nonpolyposis colorectal neoplasms. Last evaluated: 2022-07-20. Review status: criteria provided, single submitter. Criteria: Invitae Variant Classification Sherloc (09022015). Collection method: clinical testing. Allele origin: germline.
Comment: In summary, the available evidence is currently insufficient to determine the role of this variant in disease. Therefore, it has been classified as a Variant of Uncertain Significance. This sequence change replaces proline, which is neutral and non-polar, with arginine, which is basic and polar, at codon 434 of the PMS2 protein (p.Pro434Arg). This variant is not present in population databases (gnomAD no frequency). This variant has not been reported in the literature in individuals affected with PMS2-related conditions. ClinVar contains an entry for this variant (Variation ID: 1318489). Advanced modeling of protein sequence and biophysical properties (such as structural, functional, and spatial information, amino acid conservation, physicochemical variation, residue mobility, and thermodynamic stability) performed at Invitae indicates that this missense variant is not expected to disrupt PMS2 protein function.

GeneDx
Classification: Uncertain significance. Last evaluated: 2019-11-26. Review status: criteria provided, single submitter. Criteria: GeneDx Variant Classification Process June 2021. Collection method: clinical testing. Allele origin: germline. Affected: yes.
Comment: Not observed in large population cohorts (Lek 2016); In silico analysis, which includes protein predictors and evolutionary conservation, supports that this variant does not alter protein structure/function; Has not been previously published as pathogenic or benign to our knowledge